The following is an entry in ClinVar:

ClinVar aggregate classification (germline): Uncertain significance. Review status: criteria provided, multiple submitters, no conflicts (2 of 4 stars). 2 submissions from 2 submitters: Uncertain significance (2). Last evaluated 2026-02-27.

Conditions:
Alpha thalassemia-X-linked intellectual disability syndrome (ATRX). Also called: ALPHA-THALASSEMIA/MENTAL RETARDATION SYNDROME, X-LINKED; ATR, NONDELETION TYPE; ATR-X syndrome; Alpha thalassemia mental retardation syndrome, nondeletion type, X-linked; XLMR hypotonic face syndrome; X-linked alpha-thalassemia-mental retardation syndrome. Identifiers: Orphanet 847, MedGen C1845055, MONDO:0010519, OMIM 301040.
Inborn genetic diseases. Identifiers: MedGen C0950123, MeSH D030342.

gnomAD v4.1: 1 of 1,207,474 alleles (0.000083%); highest among the groups gnomAD compares: African/African-American, 0.0018%; no homozygotes.

Submissions (2):

Ambry Genetics
Classification: Uncertain significance for Inborn genetic diseases. Last evaluated: 2026-02-27. Review status: criteria provided, single submitter. Criteria: Ambry Variant Classification Scheme 2023. Collection method: clinical testing. Allele origin: germline.

Labcorp Genetics (formerly Invitae), Labcorp
Classification: Uncertain significance for Alpha thalassemia-X-linked intellectual disability syndrome. Last evaluated: 2024-11-16. Review status: criteria provided, single submitter. Criteria: Invitae Variant Classification Sherloc (09022015). Collection method: clinical testing. Allele origin: germline.
Comment: This sequence change replaces threonine, which is neutral and polar, with isoleucine, which is neutral and non-polar, at codon 837 of the ATRX protein (p.Thr837Ile). This variant is not present in population databases (gnomAD no frequency). This variant has not been reported in the literature in individuals affected with ATRX-related conditions. Invitae Evidence Modeling of protein sequence and biophysical properties (such as structural, functional, and spatial information, amino acid conservation, physicochemical variation, residue mobility, and thermodynamic stability) indicates that this missense variant is not expected to disrupt ATRX protein function with a negative predictive value of 95%. In summary, the available evidence is currently insufficient to determine the role of this variant in disease. Therefore, it has been classified as a Variant of Uncertain Significance.

NM_000489.6(ATRX):c.2510C>T (p.Thr837Ile)

Gene: ATRX (ATRX chromatin remodeler; minus strand). Cytogenetic location: Xq21.1.
Variant type: single nucleotide variant.
Coding change: c.2510C>T on transcript NM_000489.6 (MANE Select); coding-DNA position 2510, C replaced by T.
Protein change: p.Thr837Ile; replaces threonine 837 with isoleucine.
Molecular consequence: missense variant.
Genome position (GRCh38, 1-based): chrX:77,682,746, G>A on the plus strand (C>T on the coding strand, the complement: ATRX is on the minus strand). VCF-style: chrX-77682746-G-A. GRCh37 (hg19) VCF-style: chrX-76938238-G-A.
Other names: c.2396C>T, p.Thr799Ile (NM_138270.5); c.2510C>T (NM_000489.3); short protein forms T799I, T837I.
Identifiers: ClinVar variation 3691580 (VCV003691580.3).